The following is an entry in ClinVar:

ClinVar aggregate classification (germline): Uncertain significance (1 of 4 stars; one submission).

Submission:

Labcorp Genetics (formerly Invitae), Labcorp
Classification: Uncertain significance. Last evaluated: 2021-09-15. Review status: criteria provided, single submitter. Criteria: Invitae Variant Classification Sherloc (09022015). Collection method: clinical testing. Allele origin: germline.
Comment: In summary, the available evidence is currently insufficient to determine the role of this variant in disease. Therefore, it has been classified as a Variant of Uncertain Significance. This sequence change replaces leucine with proline at codon 80 of the GPR143 protein (p.Leu80Pro). The leucine residue is highly conserved and there is a moderate physicochemical difference between leucine and proline. The frequency data for this variant in the population databases is considered unreliable, as metrics indicate insufficient coverage at this position in the ExAC database. This missense change has been observed in individual(s) with ocular albinism (Invitae). Algorithms developed to predict the effect of missense changes on protein structure and function are either unavailable or do not agree on the potential impact of this missense change (SIFT: "Deleterious"; PolyPhen-2: "Probably Damaging"; Align-GVGD: "Class C0").

NM_000273.3(GPR143):c.239T>C (p.Leu80Pro)

Gene: GPR143 (G protein-coupled receptor 143; minus strand). Cytogenetic location: Xp22.2.
Variant type: single nucleotide variant.
Coding change: c.239T>C on transcript NM_000273.3 (MANE Select); coding-DNA position 239, T replaced by C.
Protein change: p.Leu80Pro; replaces leucine 80 with proline.
Molecular consequence: missense variant.
Genome position (GRCh38, 1-based): chrX:9,765,579, A>G on the plus strand (T>C on the coding strand, the complement: GPR143 is on the minus strand). VCF-style: chrX-9765579-A-G. GRCh37 (hg19) VCF-style: chrX-9733619-A-G.
Other names: short protein forms L80P.
Identifiers: ClinVar variation 1519146 (VCV001519146.6), dbSNP rs2146705630, ClinGen allele CA412000362.